The following is an entry in ClinVar:

ClinVar aggregate classification (germline): Uncertain significance (1 of 4 stars; one submission).

Allele frequency attached by ClinVar (database versions not stated): gnomAD exomes below 0.00001; TOPMed below 0.00001.
gnomAD v4.1: 1 of 1,614,128 alleles (0.000062%); highest among the groups gnomAD compares: African/African-American, 0.0013%; no homozygotes.

Submission:

Labcorp Genetics (formerly Invitae), Labcorp
Classification: Uncertain significance. Last evaluated: 2022-02-17. Review status: criteria provided, single submitter. Criteria: Invitae Variant Classification Sherloc (09022015). Collection method: clinical testing. Allele origin: germline.
Comment: In summary, the available evidence is currently insufficient to determine the role of this variant in disease. Therefore, it has been classified as a Variant of Uncertain Significance. Advanced modeling of protein sequence and biophysical properties (such as structural, functional, and spatial information, amino acid conservation, physicochemical variation, residue mobility, and thermodynamic stability) performed at Invitae indicates that this missense variant is not expected to disrupt EIF2B5 protein function. This variant has not been reported in the literature in individuals affected with EIF2B5-related conditions. This variant is not present in population databases (gnomAD no frequency). This sequence change replaces glutamine, which is neutral and polar, with histidine, which is basic and polar, at codon 531 of the EIF2B5 protein (p.Gln531His).

NM_003907.3(EIF2B5):c.1593A>C (p.Gln531His)

Gene: EIF2B5 (eukaryotic translation initiation factor 2B subunit epsilon; plus strand). Cytogenetic location: 3q27.1.
Variant type: single nucleotide variant.
Coding change: c.1593A>C on transcript NM_003907.3 (MANE Select); coding-DNA position 1593, A replaced by C.
Protein change: p.Gln531His; replaces glutamine 531 with histidine.
Molecular consequence: missense variant.
Genome position (GRCh38, 1-based): chr3:184,142,825, A>C. VCF-style: chr3-184142825-A-C. GRCh37 (hg19) VCF-style: chr3-183860613-A-C.
Other names: short protein forms Q531H.
Identifiers: ClinVar variation 1961883 (VCV001961883.5), dbSNP rs1713699935, ClinGen allele CA355391691.